The following is an entry in ClinVar:

ClinVar aggregate classification (germline): Conflicting classifications of pathogenicity. Review status: criteria provided, conflicting classifications (1 of 4 stars). 6 submissions from 6 submitters: Uncertain significance (5); Likely benign (1). Last evaluated 2025-12-01.

Conditions:
Fanconi anemia (FA). Also called: Fanconi's anemia. Identifiers: Orphanet 84, MedGen C0015625, MeSH D005199, MONDO:0019391.
Fanconi anemia complementation group D2. Also called: FANCD2-Related Fanconi Anemia; FANCONI PANCYTOPENIA, TYPE 4; FANCONI ANEMIA, COMPLEMENTATION GROUP D. Identifiers: Orphanet 84, MedGen C3160738, MONDO:0009214, OMIM 227646.

Allele frequency attached by ClinVar (database versions not stated): gnomAD exomes 0.00008; ExAC 0.00010; TOPMed 0.00014; gnomAD 0.00016; 1000 Genomes Project 0.00020; ESP Exome Variant Server 0.00023; 1000 Genomes Project 30x 0.00031.
gnomAD v4.1: 284 of 1,613,714 alleles (0.018%); highest among the groups gnomAD compares: Non-Finnish European, 0.021%; no homozygotes.

Submissions (6):

CeGaT Center for Human Genetics Tuebingen
Classification: Likely benign. Last evaluated: 2025-12-01. Review status: criteria provided, single submitter. Criteria: CeGaT Center For Human Genetics Tuebingen Variant Classification Criteria Version 2. Collection method: clinical testing. Allele origin: germline. Affected: yes. Observed: 1 variant allele.
Comment: FANCD2: BP4, BS1

Labcorp Genetics (formerly Invitae), Labcorp
Classification: Uncertain significance for Fanconi anemia. Last evaluated: 2024-07-24. Review status: criteria provided, single submitter. Criteria: Invitae Variant Classification Sherloc (09022015). Collection method: clinical testing. Allele origin: germline.
Comment: This sequence change replaces serine, which is neutral and polar, with cysteine, which is neutral and slightly polar, at codon 934 of the FANCD2 protein (p.Ser934Cys). This variant is present in population databases (rs200971205, gnomAD 0.02%). This missense change has been observed in individual(s) with ovarian cancer (PMID: 32546565). ClinVar contains an entry for this variant (Variation ID: 210980). An algorithm developed to predict the effect of missense changes on protein structure and function outputs the following: PolyPhen-2: "Benign". The cysteine amino acid residue is found in multiple mammalian species, which suggests that this missense change does not adversely affect protein function. In summary, the available evidence is currently insufficient to determine the role of this variant in disease. Therefore, it has been classified as a Variant of Uncertain Significance.

Blueprint Genetics
Classification: Uncertain significance. Last evaluated: 2023-09-22. Review status: criteria provided, single submitter. Criteria: ACMG Guidelines, 2015. Collection method: clinical testing. Allele origin: germline.

Fulgent Genetics
Classification: Uncertain significance for Fanconi anemia complementation group D2. Last evaluated: 2022-02-10. Review status: criteria provided, single submitter. Criteria: ACMG Guidelines, 2015. Collection method: clinical testing. Allele origin: unknown.

Sema4
Classification: Uncertain significance for Fanconi anemia. Last evaluated: 2022-02-02. Review status: criteria provided, single submitter. Criteria: Sema4 Curation Guidelines. Collection method: curation. Allele origin: germline.
Comment: The FANCD2 c.2801C>G (p.S934C) variant has been reported in heterozygosity in at least four individuals with ovarian cancer (PMID: 32546565). It was observed in 21/129092 chromosomes of the Non-Finnish European subpopulation, with no homozygotes, in the large and broad cohorts of the Genome Aggregation Database (PMID: 32461654). The variant has been reported in ClinVar (Variation ID 210980). Functional studies have not been performed, and in silico predictions of the variant's effect on protein function are inconclusive. The evidence is insufficient to meet ACMG/AMP criteria for classifying the variant as benign or pathogenic. Thus, the clinical significance of this variant is currently uncertain.

Genetic Services Laboratory, University of Chicago
Classification: Uncertain significance. Last evaluated: 2015-07-21. Review status: criteria provided, single submitter. Criteria: ACMG Guidelines, 2015. Collection method: clinical testing. Allele origin: germline.

Literature cited by the submitters: PubMed 32546565 (cited by Labcorp Genetics (formerly Invitae), Labcorp and Sema4).

NM_001018115.3(FANCD2):c.2801C>G (p.Ser934Cys)

Genes: FANCD2 (FA complementation group D2; plus strand), LOC107303338 (3p25 FANCD2 Alu-mediated recombination region; plus strand). Cytogenetic location: 3p25.3.
Variant type: single nucleotide variant.
Coding change: c.2801C>G on transcript NM_001018115.3 (MANE Select); coding-DNA position 2801, C replaced by G.
Protein change: p.Ser934Cys; replaces serine 934 with cysteine.
Molecular consequence: missense variant.
Genome position (GRCh38, 1-based): chr3:10,074,615, C>G. VCF-style: chr3-10074615-C-G. GRCh37 (hg19) VCF-style: chr3-10116299-C-G.
Other names: c.2801C>G, p.Ser934Cys (NM_001319984.2, NM_001374254.1, NM_033084.6); c.2690C>G, p.Ser897Cys (NM_001374253.1); short protein forms S934C, S897C.
Identifiers: ClinVar variation 210980 (VCV000210980.20), dbSNP rs200971205, ClinGen allele CA205087.